The following is an entry in ClinVar:

Conditions:
Breast-ovarian cancer, familial, susceptibility to, 1 (BROVCA1). Also called: BRCA1 Hereditary Breast and Ovarian Cancer; OVARIAN CANCER, SUSCEPTIBILITY TO. Identifiers: Orphanet 145, MedGen C2676676, MONDO:0011450, OMIM 604370. Disease mechanism: loss of function.

Submission:

Brotman Baty Institute, University of Washington
No classification provided (evidence only). Condition: Breast-ovarian cancer, familial 1. Review status: no classification provided. Collection method: in vitro. Allele origin: not applicable. Functional consequence: functionally_normal.
ClinVar note: "not provided" was previously submitted as the classification for the variant. However, the classification appeared to be based only on an observation of functional data so it was converted to no classification on 2025-07-30.

NM_007294.4(BRCA1):c.84G>C (p.Leu28=)

Gene: BRCA1 (BRCA1 DNA repair associated; minus strand). Cytogenetic location: 17q21.31.
Variant type: single nucleotide variant.
Coding change: c.84G>C on transcript NM_007294.4 (MANE Select); coding-DNA position 84, G replaced by C.
Protein change: p.Leu28=; no amino-acid change (leucine 28 retained).
Molecular consequence: synonymous variant. On other transcripts: 5 prime UTR variant (132), intron variant (41).
Genome position (GRCh38, 1-based): chr17:43,115,776, C>G on the plus strand (G>C on the coding strand, the complement: BRCA1 is on the minus strand). VCF-style: chr17-43115776-C-G. GRCh37 (hg19) VCF-style: chr17-41267793-C-G.
Other names: c.-105G>C (NM_001407571.1, NM_001407853.1, NM_001407879.1 and 52 more transcripts); c.84G>C, p.Leu28= (NM_001407581.1, NM_001407582.1, NM_001407583.1 and 192 more transcripts); c.-174G>C (NM_001407694.1, NM_001407696.1, NM_001407724.1 and 13 more transcripts); c.-178G>C (NM_001407695.1, NM_001408465.1); c.-58G>C (NM_001407697.1, NM_001407725.1, NM_001407728.1 and 47 more transcripts); c.-54G>C (NM_001407841.1); c.-221G>C (NM_001407889.1, NM_001407900.1, NM_001408492.1); c.-220G>C (NM_001407960.1, NM_001407962.1, NM_001408510.1 and 1 more transcripts); and 10 more.
Identifiers: ClinVar variation 867784 (VCV000867784.3), dbSNP rs1555599278, ClinGen allele CA500130096.
Genomic context (GRCh38, chr17:43,115,776, plus strand): 5'-TCAAACTTACTTGCAAAATATGTGGTCACACTTTGTGGAGACAGGTTCCTTGATCAACTC[C>G]AGACTAGCAGGGTAGGGGGGGAGAAAAAGAAAATAAATGAGGCTCAATAATTTATTTAAA-3'
Protein context (NP_009225.1, residues 18-38): MQKILECPIC[Leu28=]ELIKEPVSTK